The following is an entry in ClinVar:

ClinVar aggregate classification (germline): Uncertain significance (1 of 4 stars; one submission).

Conditions:
Neuropathy, hereditary sensory and autonomic, type 2A (HSAN2A). Also called: ACROOSTEOLYSIS, GIACCAI TYPE; ACROOSTEOLYSIS, NEUROGENIC; MORVAN DISEASE; NEUROPATHY, CONGENITAL SENSORY; NEUROPATHY, HEREDITARY SENSORY RADICULAR, AUTOSOMAL RECESSIVE; NEUROPATHY, HEREDITARY SENSORY, TYPE IIA. Identifiers: Orphanet 970, MedGen C2752089, MONDO:0024309, OMIM 201300.
Pseudohypoaldosteronism type 2C (PHA2C). Also called: Pseudohypoaldosteronism Type IIC. Identifiers: Orphanet 757, Orphanet 88940, MedGen C1840391, MONDO:0013778, OMIM 614492.

Allele frequency attached by ClinVar (database versions not stated): TOPMed 0.00001.

Submission:

Labcorp Genetics (formerly Invitae), Labcorp
Classification: Uncertain significance for Neuropathy, hereditary sensory and autonomic, type 2A; Pseudohypoaldosteronism type 2C. Last evaluated: 2022-01-07. Review status: criteria provided, single submitter. Criteria: Invitae Variant Classification Sherloc (09022015). Collection method: clinical testing. Allele origin: germline.
Comment: In summary, the available evidence is currently insufficient to determine the role of this variant in disease. Therefore, it has been classified as a Variant of Uncertain Significance. Advanced modeling of protein sequence and biophysical properties (such as structural, functional, and spatial information, amino acid conservation, physicochemical variation, residue mobility, and thermodynamic stability) performed at Invitae indicates that this missense variant is not expected to disrupt WNK1 protein function. This sequence change replaces proline, which is neutral and non-polar, with arginine, which is basic and polar, at codon 709 of the WNK1 protein (p.Pro709Arg). This variant is not present in population databases (gnomAD no frequency). This variant has not been reported in the literature in individuals affected with WNK1-related conditions.

NM_018979.4(WNK1):c.2126C>G (p.Pro709Arg)

Gene: WNK1 (WNK lysine deficient protein kinase 1; plus strand). Cytogenetic location: 12p13.33.
Variant type: single nucleotide variant.
Coding change: c.2126C>G on transcript NM_018979.4 (MANE Select); coding-DNA position 2126, C replaced by G.
Protein change: p.Pro709Arg; replaces proline 709 with arginine.
Molecular consequence: missense variant.
Genome position (GRCh38, 1-based): chr12:862,257, C>G. VCF-style: chr12-862257-C-G. GRCh37 (hg19) VCF-style: chr12-971423-C-G.
Other names: c.2126C>G, p.Pro709Arg (NM_001184985.2, NM_014823.3, NM_213655.5); short protein forms P709R.
Identifiers: ClinVar variation 2076448 (VCV002076448.4), dbSNP rs1951274892, ClinGen allele CA383336762.